The following is an entry in ClinVar:

ClinVar aggregate classification (germline): Pathogenic. Review status: criteria provided, multiple submitters, no conflicts (2 of 4 stars). 4 submissions from 4 submitters: Pathogenic (3). 1 of the submissions does not count toward it. Last evaluated 2021-12-23.

Conditions:
Cardiovascular phenotype. Identifiers: MedGen CN230736.
Hyperlipoproteinemia, type I. Also called: Lipoprotein Lipase Deficiency; Lipase D deficiency; Familial Lipoprotein Lipase Deficiency; Hyperlipoproteinemia type 1; Hyperchylomicro-nemia familial; Familial chylomicronemia. Identifiers: Orphanet 309015, Orphanet 444490, MedGen C0023817, MONDO:0009387, OMIM 238600. Disease mechanism: loss of function.
Hyperlipidemia, familial combined, LPL related (FCHL3). Also called: Hyperapobetalipoproteinemia. Identifiers: MedGen C0020474, MONDO:0007759, OMIM 144250, HP:0008158.

Allele frequency attached by ClinVar (database versions not stated): gnomAD exomes below 0.00001.
gnomAD v4.1: 1 of 1,613,780 alleles (0.000062%); no homozygotes.

Submissions (4):

Ambry Genetics
Classification: Pathogenic for Cardiovascular phenotype. Last evaluated: 2021-12-23. Review status: criteria provided, single submitter. Criteria: Ambry Variant Classification Scheme 2023. Collection method: clinical testing. Allele origin: germline.
Comment: The c.249+1G>A intronic pathogenic mutation results from a G to A substitution one nucleotide after coding exon 2 of the LPL gene. Alterations that disrupt the canonical splice site are expected to result in aberrant splicing. In silico splice site analysis predicts that this alteration will weaken the native splice donor site and may result in the creation or strengthening of a novel splice donor site. This variant has been detected in the homozygous state and in the compound heterozygous state with a second LPL variant in several unrelated individuals with features consistent with LPL deficiency and familial chylomicronemia syndrome (Gotoda T et al. J Clin Invest, 1991 12;88:1856-64; Chokshi N et al. J Clin Lipidol, 2014 Feb;8:287-95; Rodrigues R et al. J Clin Lipidol, 2016 Dec;10:394-409; Kuthiroly S et al. Indian J Pediatr, 2021 02;88:147-153). One study reportedly demonstrated that this variant resulted in aberrant splicing and decreased LPL mRNA in an affected patient; however, the results were unpublished (Gotoda T et al. J Clin Invest, 1991 12;88:1856-64). This variant is considered to be rare based on population cohorts in the Genome Aggregation Database (gnomAD). Based on the supporting evidence, this alteration is interpreted as a disease-causing mutation.

Human Genome Sequencing Center Clinical Lab, Baylor College of Medicine
Classification: Pathogenic for Hyperlipidemia, familial combined, LPL related. Last evaluated: 2020-02-04. Review status: criteria provided, single submitter. Criteria: ACMG Guidelines, 2015. Collection method: clinical testing. Allele origin: germline.
Comment: The LPL c.249+1G>A variant has been reported in multiple individuals with autosomal recessive lipoprotein lipase deficiency (PMID: 1752947, 24793350, 27055971). Unpublished data has demonstrated aberrant splicing resulting in decreased levels of LPL mRNA due to this variant (PMID: 1752947). In the heterozygous state, variants like this are associated with significantly elevated triglyceride levels and pancreatitis, especially with other comorbidities such as uncontrolled diabetes mellitus. This variant is not reported in the gnomAD population database . Therefore, the LPL c.249+1G>A variant is classified as pathogenic.

Labcorp Genetics (formerly Invitae), Labcorp
Classification: Pathogenic. Last evaluated: 2019-09-14. Review status: criteria provided, single submitter. Criteria: Invitae Variant Classification Sherloc (09022015). Collection method: clinical testing. Allele origin: germline.
Comment: For these reasons, this variant has been classified as Pathogenic. Donor and acceptor splice site variants typically lead to a loss of protein function (PMID: 16199547), and loss-of-function variants in LPL are known to be pathogenic (PMID: 11334614). Algorithms developed to predict the effect of sequence changes on RNA splicing suggest that this variant may disrupt the consensus splice site, but this prediction has not been confirmed by published transcriptional studies. This variant has been observed in individuals affected with LPL-related conditions (PMID: 1752947, 24793350). ClinVar contains an entry for this variant (Variation ID: 1535). This variant is not present in population databases (ExAC no frequency). This sequence change affects a donor splice site in intron 2 of the LPL gene. It is expected to disrupt RNA splicing and likely results in an absent or disrupted protein product.

OMIM
Classification: Pathogenic for LIPOPROTEIN LIPASE DEFICIENCY. Last evaluated: 1991-12-01. Review status: no assertion criteria provided. Collection method: literature only. Allele origin: germline. Not counted in ClinVar's aggregate classification.

Literature cited by the submitters: PubMed 1752947 (cited by 3 submitters); PubMed 24793350 (cited by Ambry Genetics and Labcorp Genetics (formerly Invitae), Labcorp); PubMed 27055971 (cited by Ambry Genetics); PubMed 32472350 (cited by Ambry Genetics); PubMed 16199547 (cited by Labcorp Genetics (formerly Invitae), Labcorp); PubMed 11334614 (cited by Labcorp Genetics (formerly Invitae), Labcorp).

NM_000237.3(LPL):c.249+1G>A

Gene: LPL (lipoprotein lipase; plus strand). Cytogenetic location: 8p21.3.
Variant type: single nucleotide variant.
Coding change: c.249+1G>A on transcript NM_000237.3 (MANE Select); the canonical splice donor site of the intron after coding-DNA position 249, G replaced by A.
Molecular consequence: splice donor variant.
Genome position (GRCh38, 1-based): chr8:19,948,341, G>A. VCF-style: chr8-19948341-G-A. GRCh37 (hg19) VCF-style: chr8-19805852-G-A.
Other names: IVS2DS, G-A, +1.
Identifiers: ClinVar variation 1535 (VCV000001535.11), dbSNP rs1563569634, ClinGen allele CA370467104.
Genomic context (GRCh38, chr8:19,948,341, plus strand): 5'-GTGGCTACCTGTCATTTCAATCACAGCAGCAAAACCTTCATGGTGATCCATGGCTGGACG[G>A]TAAGGGAGGCTCTTTGGGGAAGAGTGGATTGGGGTGGTGAGGTATCCTGACTGGCCTGCC-3'